The following is an entry in ClinVar:

ClinVar aggregate classification (germline): Benign (0 of 4 stars; one submission).

Conditions:
CXCL12-related disorder. Also called: CXCL12-related condition.

Submission:

PreventionGenetics, part of Exact Sciences
Classification: Benign for CXCL12-related condition. Last evaluated: 2020-01-06. Review status: no assertion criteria provided. Collection method: clinical testing. Allele origin: germline.
Comment: This variant is classified as benign based on ACMG/AMP sequence variant interpretation guidelines (Richards et al. 2015 PMID: 25741868, with internal and published modifications).

NM_199168.4(CXCL12):c.-27CCGC[5]

Gene: CXCL12 (C-X-C motif chemokine ligand 12; minus strand). Cytogenetic location: 10q11.21.
Variant type: Microsatellite.
Coding change: c.-27CCGC[5] on transcript NM_199168.4 (MANE Select); five copies in a row of the 4-base unit CCGC starting at c.-27; the reference has six copies in a row; one copy, 4 bases deleted.
Molecular consequence: 5 prime UTR variant.
Genome position (GRCh38, 1-based): chr10:44,385,009-44,385,012, GCGG deleted on the plus strand (CCGC on the coding strand, the reverse complement: CXCL12 is on the minus strand); deleting any 4 consecutive bases within chr10:44,385,009-44,385,032 gives the same sequence; the position shown is the placement nearest the transcript's 3' end. VCF-style (leftmost placement, unchanged base first): chr10-44385008-CGCGG-C. GRCh37 (hg19) VCF-style: chr10-44880456-CGCGG-C.
Other names: c.-27CCGC[5] (NM_000609.7, NM_001033886.2, NM_001178134.2 and 1 more transcripts).
Identifiers: ClinVar variation 3056613 (VCV003056613.2), dbSNP rs76444314, ClinGen allele CA5479307.